The following is an entry in ClinVar:

NM_000387.6(SLC25A20):c.327-7A>G

Gene: SLC25A20 (solute carrier family 25 member 20; minus strand). Cytogenetic location: 3p21.31.
Variant type: single nucleotide variant.
Coding change: c.327-7A>G on transcript NM_000387.6 (MANE Select); 7 bases into the intron before coding-DNA position 327, A replaced by G.
Molecular consequence: intron variant.
Genome position (GRCh38, 1-based): chr3:48,879,455, T>C on the plus strand (A>G on the coding strand, the complement: SLC25A20 is on the minus strand). VCF-style: chr3-48879455-T-C. GRCh37 (hg19) VCF-style: chr3-48916888-T-C.
Other names: c.327-7A>G (NM_000387.5).
Identifiers: ClinVar variation 2188752 (VCV002188752.5), dbSNP rs755075286, ClinGen allele CA2387421.

ClinVar aggregate classification (germline): Likely benign. Review status: criteria provided, multiple submitters, no conflicts (2 of 4 stars). 2 submissions from 2 submitters: Likely benign (2). Last evaluated 2025-03-08.

Conditions:
SLC25A20-related disorder. Also called: SLC25A20-related condition.
Carnitine acylcarnitine translocase deficiency (CACTD). Identifiers: Orphanet 159, MedGen C0342791, MONDO:0008918, OMIM 212138.

Allele frequency attached by ClinVar (database versions not stated): TOPMed below 0.00001; gnomAD 0.00001; gnomAD exomes 0.00001; ExAC 0.00002.
gnomAD v4.1: 10 of 1,609,906 alleles (0.00062%); highest among the groups gnomAD compares: Non-Finnish European, 0.00085%; no homozygotes.

Submissions (2):

PreventionGenetics, part of Exact Sciences
Classification: Likely benign for SLC25A20-related condition. Last evaluated: 2025-03-08. Review status: criteria provided, single submitter. Criteria: ACMG Guidelines, 2015. Collection method: clinical testing. Allele origin: germline.
Comment: This variant is classified as likely benign based on ACMG/AMP sequence variant interpretation guidelines (Richards et al. 2015 PMID: 25741868, with internal and published modifications).

Labcorp Genetics (formerly Invitae), Labcorp
Classification: Likely benign for Carnitine acylcarnitine translocase deficiency. Last evaluated: 2024-01-04. Review status: criteria provided, single submitter. Criteria: Invitae Variant Classification Sherloc (09022015). Collection method: clinical testing. Allele origin: germline.